The following is an entry in ClinVar:

NM_000254.3(MTR):c.3570_3572del (p.Trp1190_Arg1191delinsTer)

Gene: MTR (5-methyltetrahydrofolate-homocysteine methyltransferase; plus strand). Cytogenetic location: 1q43.
Variant type: Deletion.
Coding change: c.3570_3572del on transcript NM_000254.3 (MANE Select); coding-DNA positions 3570 to 3572, 3 bases deleted (GAG; older notation c.3570_3572delGAG).
Protein change: p.Trp1190_Arg1191delinsTer.
Molecular consequence: nonsense.
Genome position (GRCh38, 1-based): chr1:236,895,522-236,895,524, GAG deleted; deleting any 3 consecutive bases within chr1:236,895,521-236,895,524 gives the same sequence; the c. name uses the placement nearest the transcript's 3' end. VCF-style (leftmost placement, unchanged base first): chr1-236895520-TGGA-T. GRCh37 (hg19) VCF-style: chr1-237058820-TGGA-T.
Other names: c.3417_3419del, p.Trp1139_Arg1140delinsTer (NM_001291939.1); c.2349_2351del, p.Trp783_Arg784delinsTer (NM_001291940.2); c.3381_3383del, p.Trp1127_Arg1128delinsTer (NM_001410942.1).
Identifiers: ClinVar variation 2850200 (VCV002850200.3), dbSNP rs2528537363, ClinGen allele CA2739274021.

ClinVar aggregate classification (germline): Pathogenic (1 of 4 stars; one submission).

Conditions:
Methylcobalamin deficiency type cblG (HMAG). Also called: HOMOCYSTINURIA-MEGALOBLASTIC ANEMIA, cblG TYPE; HOMOCYSTINURIA-MEGALOBLASTIC ANEMIA DUE TO DEFECT IN COBALAMIN METABOLISM, cblG COMPLEMENTATION TYPE; Functional methionine synthase deficiency type cblG; HOMOCYSTINURIA-MEGALOBLASTIC ANEMIA, cblG COMPLEMENTATION TYPE. Identifiers: Orphanet 2170, Orphanet 622, MedGen C1855128, MONDO:0009609, OMIM 250940.

Submission:

Labcorp Genetics (formerly Invitae), Labcorp
Classification: Pathogenic for Methylcobalamin deficiency type cblG. Last evaluated: 2023-03-27. Review status: criteria provided, single submitter. Criteria: Invitae Variant Classification Sherloc (09022015). Collection method: clinical testing. Allele origin: germline.
Comment: This sequence change creates a premature translational stop signal (p.Trp1190*) in the MTR gene. It is expected to result in an absent or disrupted protein product. Loss-of-function variants in MTR are known to be pathogenic (PMID: 9683607, 12068375). This variant is not present in population databases (gnomAD no frequency). This variant has not been reported in the literature in individuals affected with MTR-related conditions. For these reasons, this variant has been classified as Pathogenic.

Literature cited by the submitters: PubMed 9683607; PubMed 12068375.